The following is an entry in ClinVar:

NC_000007.14:g.(?_94395012)_(94395818_?)del

Gene: COL1A2 (collagen type I alpha 2 chain; plus strand). Cytogenetic location: 7q21.3.
Variant type: Deletion.
Identifiers: ClinVar variation 526903 (VCV000526903.9).

ClinVar aggregate classification (germline): Pathogenic. Review status: criteria provided, single submitter (1 of 4 stars). 2 submissions from 1 submitter: Pathogenic (2). Last evaluated 2018-08-08.

Conditions:
Osteogenesis imperfecta type I (OI1). Also called: OI, TYPE I; OSTEOGENESIS IMPERFECTA TARDA; OSTEOGENESIS IMPERFECTA WITH BLUE SCLERAE; Lobstein's Disease; Classic Non-deforming Osteogenesis Imperfecta with Blue Sclerae; Lobstein disease. Identifiers: Orphanet 216796, Orphanet 666, MedGen C0023931, MONDO:0008146, OMIM 166200. Disease mechanism: loss of function.
Ehlers-Danlos syndrome, classic type, 1 (EDSCL1). Also called: Ehlers-Danlos Syndrome, Classic Type, COL5A1-Related; EDS I; Ehlers-Danlos syndrome, type 1; EHLERS-DANLOS SYNDROME, GRAVIS TYPE; EHLERS-DANLOS SYNDROME, SEVERE CLASSIC TYPE. Identifiers: MedGen C0268335, MONDO:0019567, OMIM 130000.
Ehlers-Danlos syndrome, classic type (cEDS). Identifiers: Orphanet 287, MedGen C4225429, MONDO:0007522.

Submissions (2):

Labcorp Genetics (formerly Invitae), Labcorp
Classification: Pathogenic for Osteogenesis imperfecta type I; Ehlers-Danlos syndrome, type 1. Last evaluated: 2018-08-08. Review status: criteria provided, single submitter. Criteria: Invitae Variant Classification Sherloc (09022015). Collection method: clinical testing. Allele origin: germline.
Comment: This variant is a gross deletion of the genomic region encompassing exon 1 of the COL1A2 gene, which includes the initiator codon. The 5' end of this event is unknown as it extends beyond the assayed region for this gene and therefore may encompass additional genes. The 3' boundary is likely confined to intron 1 of the COL1A2 gene. This is expected to result in an absent or disrupted protein product. A deletion of COL1A2 exon 1 has not been reported in the literature in individuals with a COL1A2-related disease. Loss-of-function variants in COL1A2 are known to be pathogenic (PMID: 6092353, 16816023, 27510842, 3372533, 2993307 For these reasons, this variant has been classified as Pathogenic.

Labcorp Genetics (formerly Invitae), Labcorp
Classification: Pathogenic for Osteogenesis imperfecta type I; Ehlers-Danlos syndrome, classic type, 1. Last evaluated: 2018-08-03. Review status: criteria provided, single submitter. Criteria: Invitae Variant Classification Sherloc (09022015). Collection method: clinical testing. Allele origin: germline.
Comment: the same text as in the submission from Labcorp Genetics (formerly Invitae), Labcorp above.